The following is an entry in ClinVar:

ClinVar aggregate classification (germline): Uncertain significance. Review status: criteria provided, multiple submitters, no conflicts (2 of 4 stars). 2 submissions from 2 submitters: Uncertain significance (2). Last evaluated 2024-02-14.

Conditions:
Symmetrical dyschromatosis of extremities (DSH). Also called: DYSCHROMATOSIS SYMMETRICA HEREDITARIA 1; RETICULATE ACROPIGMENTATION OF DOHI; SYMMETRIC DYSCHROMATOSIS OF THE EXTREMITIES; Dyschromatosis symmetrica hereditaria. Identifiers: Orphanet 41, MedGen C0406775, MONDO:0007483, OMIM 127400.
Aicardi-Goutieres syndrome 6 (AGS6). Identifiers: Orphanet 51, MedGen C3539013, MONDO:0014007, OMIM 615010.

Allele frequency attached by ClinVar (database versions not stated): TOPMed below 0.00001; gnomAD exomes 0.00001.
gnomAD v4.1: 5 of 1,614,238 alleles (0.00031%); highest among the groups gnomAD compares: East Asian, 0.0067%; no homozygotes.

Submissions (2):

Labcorp Genetics (formerly Invitae), Labcorp
Classification: Uncertain significance for Aicardi-Goutieres syndrome 6; Symmetrical dyschromatosis of extremities. Last evaluated: 2024-02-14. Review status: criteria provided, single submitter. Criteria: Invitae Variant Classification Sherloc (09022015). Collection method: clinical testing. Allele origin: germline.
Comment: This sequence change replaces proline, which is neutral and non-polar, with leucine, which is neutral and non-polar, at codon 435 of the ADAR protein (p.Pro435Leu). This variant is present in population databases (no rsID available, gnomAD 0.006%). This variant has not been reported in the literature in individuals affected with ADAR-related conditions. ClinVar contains an entry for this variant (Variation ID: 2059444). Advanced modeling of protein sequence and biophysical properties (such as structural, functional, and spatial information, amino acid conservation, physicochemical variation, residue mobility, and thermodynamic stability) performed at Invitae indicates that this missense variant is not expected to disrupt ADAR protein function with a negative predictive value of 80%. In summary, the available evidence is currently insufficient to determine the role of this variant in disease. Therefore, it has been classified as a Variant of Uncertain Significance.

CeGaT Center for Human Genetics Tuebingen
Classification: Uncertain significance. Last evaluated: 2023-12-01. Review status: criteria provided, single submitter. Criteria: CeGaT Center For Human Genetics Tuebingen Variant Classification Criteria Version 2. Collection method: clinical testing. Allele origin: germline. Affected: yes. Observed: 1 variant allele.
Comment: ADAR: PM2, BP4

NM_001111.5(ADAR):c.1304C>T (p.Pro435Leu)

Gene: ADAR (adenosine deaminase RNA specific; minus strand). Cytogenetic location: 1q21.3.
Variant type: single nucleotide variant.
Coding change: c.1304C>T on transcript NM_001111.5 (MANE Select); coding-DNA position 1304, C replaced by T.
Protein change: p.Pro435Leu; replaces proline 435 with leucine.
Molecular consequence: missense variant.
Genome position (GRCh38, 1-based): chr1:154,601,338, G>A on the plus strand (C>T on the coding strand, the complement: ADAR is on the minus strand). VCF-style: chr1-154601338-G-A. GRCh37 (hg19) VCF-style: chr1-154573814-G-A.
Other names: c.419C>T, p.Pro140Leu (NM_001025107.3, NM_001193495.2, NM_001365046.1 and 3 more transcripts); c.1331C>T, p.Pro444Leu (NM_001365045.1); c.1304C>T, p.Pro435Leu (NM_015840.4, NM_015841.4); short protein forms P140L, P435L, P444L.
Identifiers: ClinVar variation 2059444 (VCV002059444.26), dbSNP rs1301210913, ClinGen allele CA342596903.